The following is an entry in ClinVar:

NM_000452.3(SLC10A2):c.83A>G (p.Asn28Ser)

Gene: SLC10A2 (solute carrier family 10 member 2; minus strand). Cytogenetic location: 13q33.1.
Variant type: single nucleotide variant.
Coding change: c.83A>G on transcript NM_000452.3 (MANE Select); coding-DNA position 83, A replaced by G.
Protein change: p.Asn28Ser; replaces asparagine 28 with serine.
Molecular consequence: missense variant.
Genome position (GRCh38, 1-based): chr13:103,066,167, T>C on the plus strand (A>G on the coding strand, the complement: SLC10A2 is on the minus strand). VCF-style: chr13-103066167-T-C. GRCh37 (hg19) VCF-style: chr13-103718517-T-C.
Other names: short protein forms N28S.
Identifiers: ClinVar variation 4780236 (VCV004780236.1).
Genomic context (GRCh38, chr13:103,066,167, plus strand): 5'-GAGAACATCACCAAGGCCAACAGGATGGTCAGCACCGTACTTAGGACCACACTTAGGATG[T>C]TATTGAAATTGCTCTCAGGTACCACACAGGATGCACCAGAGCAAACTGTTGCATTGTCCA-3'
Protein context (NP_000443.2, residues 18-38): SCVVPESNFN[Asn28Ser]ILSVVLSTVL

ClinVar aggregate classification (germline): Uncertain significance (1 of 4 stars; one submission).

gnomAD v4.1: 1 of 1,614,096 alleles (0.000062%); highest among the groups gnomAD compares: Non-Finnish European, 0.000085%; no homozygotes.

Submission:

Labcorp Genetics (formerly Invitae), Labcorp
Classification: Uncertain significance. Last evaluated: 2025-11-22. Review status: criteria provided, single submitter. Criteria: Invitae Variant Classification Sherloc (09022015). Collection method: clinical testing. Allele origin: germline.
Comment: This sequence change replaces asparagine, which is neutral and polar, with serine, which is neutral and polar, at codon 28 of the SLC10A2 protein (p.Asn28Ser). This variant is not present in population databases (gnomAD no frequency). This variant has not been reported in the literature in individuals affected with SLC10A2-related conditions. An algorithm developed to predict the effect of missense changes on protein structure and function (PolyPhen-2) suggests that this variant is likely to be tolerated. In summary, the available evidence is currently insufficient to determine the role of this variant in disease. Therefore, it has been classified as a Variant of Uncertain Significance.